The following is an entry in ClinVar:

NM_080680.3(COL11A2):c.2709G>A (p.Pro903=)

Gene: COL11A2 (collagen type XI alpha 2 chain; minus strand). Cytogenetic location: 6p21.32.
Variant type: single nucleotide variant.
Coding change: c.2709G>A on transcript NM_080680.3 (MANE Select); coding-DNA position 2709, G replaced by A.
Protein change: p.Pro903=; no amino-acid change (proline 903 retained).
Molecular consequence: synonymous variant.
Genome position (GRCh38, 1-based): chr6:33,173,375, C>T on the plus strand (G>A on the coding strand, the complement: COL11A2 is on the minus strand). VCF-style: chr6-33173375-C-T. GRCh37 (hg19) VCF-style: chr6-33141152-C-T.
Other names: c.2388G>A, p.Pro796= (NM_080679.3); c.2451G>A, p.Pro817= (NM_080681.3).
Identifiers: ClinVar variation 513695 (VCV000513695.18), dbSNP rs779878105, ClinGen allele CA3750756.

ClinVar aggregate classification (germline): Conflicting classifications of pathogenicity. Review status: criteria provided, conflicting classifications (1 of 4 stars). 7 submissions from 5 submitters: Uncertain significance (3); Likely benign (3). 1 of the submissions does not count toward it. Last evaluated 2025-09-19.

Conditions:
Fibrochondrogenesis 2 (FBCG2). Identifiers: Orphanet 2021, MedGen C3281128, MONDO:0013795, OMIM 614524.
COL11A2-related disorder. Also called: COL11A2-related condition; COL11A2-related disorders.
Otospondylomegaepiphyseal dysplasia, autosomal dominant (OSMEDA). Also called: COL11A2-Related Stickler Syndrome; Stickler syndrome, type 3; Pierre Robin syndrome with fetal chondrodysplasia. Identifiers: Orphanet 166100, Orphanet 3450, MedGen C1848488, MONDO:0008490, OMIM 184840.
Otospondylomegaepiphyseal dysplasia, autosomal recessive (OSMEDB). Also called: CHONDRODYSTROPHY WITH SENSORINEURAL DEAFNESS; Insley-Astley syndrome. Identifiers: Orphanet 1427, MedGen CN034493, MONDO:0044206, OMIM 215150.

Allele frequency attached by ClinVar (database versions not stated): TOPMed 0.00007; gnomAD exomes 0.00010.
gnomAD v4.1: 151 of 1,612,764 alleles (0.0094%); highest among the groups gnomAD compares: Middle Eastern, 0.016%; no homozygotes.

Submissions (7):

Labcorp Genetics (formerly Invitae), Labcorp
Classification: Likely benign. Last evaluated: 2025-09-19. Review status: criteria provided, single submitter. Criteria: Invitae Variant Classification Sherloc (09022015). Collection method: clinical testing. Allele origin: germline.

Blueprint Genetics
Classification: Likely benign. Last evaluated: 2024-10-01. Review status: criteria provided, single submitter. Criteria: ACMG Guidelines, 2015. Collection method: clinical testing. Allele origin: germline.

GeneDx
Classification: Likely benign. Last evaluated: 2021-01-21. Review status: criteria provided, single submitter. Criteria: GeneDx Variant Classification Process June 2021. Collection method: clinical testing. Allele origin: germline. Affected: yes.

Illumina Laboratory Services, Illumina
Classification: Uncertain significance for Otospondylomegaepiphyseal dysplasia, autosomal dominant. Last evaluated: 2018-01-13. Review status: criteria provided, single submitter. Criteria: ICSL Variant Classification Criteria 13 December 2019. Collection method: clinical testing. Allele origin: germline.

Illumina Laboratory Services, Illumina
Classification: Uncertain significance for Fibrochondrogenesis 2. Last evaluated: 2018-01-13. Review status: criteria provided, single submitter. Criteria: ICSL Variant Classification Criteria 13 December 2019. Collection method: clinical testing. Allele origin: germline.

Illumina Laboratory Services, Illumina
Classification: Uncertain significance for Otospondylomegaepiphyseal dysplasia, autosomal recessive. Last evaluated: 2018-01-13. Review status: criteria provided, single submitter. Criteria: ICSL Variant Classification Criteria 13 December 2019. Collection method: clinical testing. Allele origin: germline.

PreventionGenetics, part of Exact Sciences
Classification: Likely benign for COL11A2-related condition. Last evaluated: 2020-11-23. Review status: no assertion criteria provided. Collection method: clinical testing. Allele origin: germline. Not counted in ClinVar's aggregate classification.
Comment: This variant is classified as likely benign based on ACMG/AMP sequence variant interpretation guidelines (Richards et al. 2015 PMID: 25741868, with internal and published modifications).